The following is an entry in ClinVar:

NM_017654.4(SAMD9):c.151A>G (p.Lys51Glu)

Gene: SAMD9 (sterile alpha motif domain containing 9; minus strand). Cytogenetic location: 7q21.2.
Variant type: single nucleotide variant.
Coding change: c.151A>G on transcript NM_017654.4 (MANE Select); coding-DNA position 151, A replaced by G.
Protein change: p.Lys51Glu; replaces lysine 51 with glutamic acid.
Molecular consequence: missense variant.
Genome position (GRCh38, 1-based): chr7:93,105,947, T>C on the plus strand (A>G on the coding strand, the complement: SAMD9 is on the minus strand). VCF-style: chr7-93105947-T-C. GRCh37 (hg19) VCF-style: chr7-92735260-T-C.
Other names: c.151A>G, p.Lys51Glu (NM_001193307.2); short protein forms K51E.
Identifiers: ClinVar variation 3792072 (VCV003792072.1).
Genomic context (GRCh38, chr7:93,105,947, plus strand): 5'-ATAGTTCTTCTATTTGAATAGCTGGTCCATGTGTGATGCCCATATCAACAAGATGTTCTT[T>C]TTTTAACCACTTCAAGACTGCTCCATTCACGTCTTGTTCAGTCAAAATTTCCCTGTGTTT-3'
Protein context (NP_060124.2, residues 41-61): VNGAVLKWLK[Lys51Glu]EHLVDMGITH

ClinVar aggregate classification (germline): Uncertain significance (1 of 4 stars; one submission).

Conditions:
Inborn genetic diseases. Identifiers: MedGen C0950123, MeSH D030342.

gnomAD v4.1: 5 of 1,611,918 alleles (0.00031%); highest among the groups gnomAD compares: Non-Finnish European, 0.00042%; no homozygotes.

Submission:

Ambry Genetics
Classification: Uncertain significance for Inborn genetic diseases. Last evaluated: 2025-02-09. Review status: criteria provided, single submitter. Criteria: Ambry Variant Classification Scheme 2023. Collection method: clinical testing. Allele origin: germline.
Comment: The p.K51E variant (also known as c.151A>G), located in coding exon 1 of the SAMD9 gene, results from an A to G substitution at nucleotide position 151. The lysine at codon 51 is replaced by glutamic acid, an amino acid with similar properties. This amino acid position is conserved. In addition, this alteration is predicted to be tolerated by in silico analysis. Based on the available evidence, the clinical significance of this variant remains unclear.